The following is an entry in ClinVar:

NM_030665.4(RAI1):c.924C>T (p.Leu308=)

Gene: RAI1 (retinoic acid induced 1; plus strand). Cytogenetic location: 17p11.2.
Variant type: single nucleotide variant.
Coding change: c.924C>T on transcript NM_030665.4 (MANE Select); coding-DNA position 924, C replaced by T.
Protein change: p.Leu308=; no amino-acid change (leucine 308 retained).
Molecular consequence: synonymous variant.
Genome position (GRCh38, 1-based): chr17:17,793,872, C>T. VCF-style: chr17-17793872-C-T. GRCh37 (hg19) VCF-style: chr17-17697186-C-T.
Other names: c.924C>T (NM_030665.3).
Identifiers: ClinVar variation 2729509 (VCV002729509.4), dbSNP rs752948468, ClinGen allele CA498423196.

ClinVar aggregate classification (germline): Likely benign. Review status: criteria provided, multiple submitters, no conflicts (2 of 4 stars). 2 submissions from 2 submitters: Likely benign (2). Last evaluated 2024-11-02.

Conditions:
RAI1-related disorder. Also called: RAI1-related condition.

Allele frequency attached by ClinVar (database versions not stated): TOPMed 0.00002.

Submissions (2):

PreventionGenetics, part of Exact Sciences
Classification: Likely benign for RAI1-related condition. Last evaluated: 2024-11-02. Review status: criteria provided, single submitter. Criteria: ACMG Guidelines, 2015. Collection method: clinical testing. Allele origin: germline.
Comment: This variant is classified as likely benign based on ACMG/AMP sequence variant interpretation guidelines (Richards et al. 2015 PMID: 25741868, with internal and published modifications).

Labcorp Genetics (formerly Invitae), Labcorp
Classification: Likely benign. Last evaluated: 2023-02-24. Review status: criteria provided, single submitter. Criteria: Invitae Variant Classification Sherloc (09022015). Collection method: clinical testing. Allele origin: germline.